The following is an entry in ClinVar:

NM_152703.5(SAMD9L):c.4318G>A (p.Glu1440Lys)

Gene: SAMD9L (sterile alpha motif domain containing 9 like; minus strand). Cytogenetic location: 7q21.2.
Variant type: single nucleotide variant.
Coding change: c.4318G>A on transcript NM_152703.5 (MANE Select); coding-DNA position 4318, G replaced by A.
Protein change: p.Glu1440Lys; replaces glutamic acid 1440 with lysine.
Molecular consequence: missense variant.
Genome position (GRCh38, 1-based): chr7:93,131,654, C>T on the plus strand (G>A on the coding strand, the complement: SAMD9L is on the minus strand). VCF-style: chr7-93131654-C-T. GRCh37 (hg19) VCF-style: chr7-92760967-C-T.
Other names: c.4318G>A, p.Glu1440Lys (NM_001303496.3, NM_001303497.3, NM_001303498.3 and 5 more transcripts); short protein forms E1440K.
Identifiers: ClinVar variation 4863934 (VCV004863934.1).

ClinVar aggregate classification (germline): Uncertain significance (1 of 4 stars; one submission).

Conditions:
Inborn genetic diseases. Identifiers: MedGen C0950123, MeSH D030342.

gnomAD v4.1: 1 of 1,613,786 alleles (0.000062%); highest among the groups gnomAD compares: Non-Finnish European, 0.000085%; no homozygotes.

Submission:

Ambry Genetics
Classification: Uncertain significance for Inborn genetic diseases. Last evaluated: 2026-04-10. Review status: criteria provided, single submitter. Criteria: Ambry Variant Classification Scheme 2023. Collection method: clinical testing. Allele origin: germline.
Comment: The p.E1440K variant (also known as c.4318G>A), located in coding exon 1 of the SAMD9L gene, results from a G to A substitution at nucleotide position 4318. The glutamic acid at codon 1440 is replaced by lysine, an amino acid with similar properties. This amino acid position is conserved. In addition, this alteration is predicted to be tolerated by in silico analysis. Based on the available evidence, the clinical significance of this variant remains unclear.